The following is an entry in ClinVar:

NM_001035.3(RYR2):c.1699G>C (p.Ala567Pro)

Gene: RYR2 (ryanodine receptor 2; plus strand). Cytogenetic location: 1q43.
Variant type: single nucleotide variant.
Coding change: c.1699G>C on transcript NM_001035.3 (MANE Select); coding-DNA position 1699, G replaced by C.
Protein change: p.Ala567Pro; replaces alanine 567 with proline.
Molecular consequence: missense variant.
Genome position (GRCh38, 1-based): chr1:237,469,178, G>C. VCF-style: chr1-237469178-G-C. GRCh37 (hg19) VCF-style: chr1-237632478-G-C.
Other names: short protein forms A567P.
Identifiers: ClinVar variation 691812 (VCV000691812.35), dbSNP rs753758467, ClinGen allele CA069076.
Genomic context (GRCh38, chr1:237,469,178, plus strand): 5'-AACTGTGCTCAATTTTCTGGCTCCCTCGACTGGTTGATCAGCAGATTGGAAAGACTGGAA[G>C]CTTCTTCAGGTATGTTTTCTAGTTTTTTCCTTGTTGTGATAGATCACTCCTATTTTTCTT-3'
Protein context (NP_001026.2, residues 557-577): WLISRLERLE[Ala567Pro]SSGILEVLHC

ClinVar aggregate classification (germline): Uncertain significance. Review status: criteria provided, multiple submitters, no conflicts (2 of 4 stars). 7 submissions from 7 submitters: Uncertain significance (7). Last evaluated 2023-11-02.

Conditions:
Primary dilated cardiomyopathy (DCM). Also called: Dilated Cardiomyopathy. Identifiers: Orphanet 217604, MedGen C0007193, MeSH D002311, MONDO:0005021, HP:0001644. Inheritance: Various modes of inheritance.
Catecholaminergic polymorphic ventricular tachycardia (CVPT). Also called: Catecholamine-induced polymorphic ventricular tachycardia. Identifiers: Orphanet 3286, MedGen C5574922, MONDO:0017990.
Cardiomyopathy (CMYO). Also called: Cardiomyopathies. Identifiers: Orphanet 167848, MedGen C0878544, MONDO:0004994, HP:0001638. Inheritance: Various modes of inheritance.
Catecholaminergic polymorphic ventricular tachycardia 1. Also called: RYR2-Related Catecholaminergic Polymorphic Ventricular Tachycardia; VENTRICULAR TACHYCARDIA, CATECHOLAMINERGIC POLYMORPHIC, 1, WITH OR WITHOUT ATRIAL DYSFUNCTION AND/OR DILATED CARDIOMYOPATHY; VENTRICULAR TACHYCARDIA, STRESS-INDUCED POLYMORPHIC 1. Identifiers: Orphanet 3286, MedGen C1631597, MONDO:0011484, OMIM 604772.

Allele frequency attached by ClinVar (database versions not stated): gnomAD exomes 0.00001; ExAC 0.00002.
gnomAD v4.1: 7 of 1,582,968 alleles (0.00044%); highest among the groups gnomAD compares: Middle Eastern, 0.017%; no homozygotes.

Submissions (7):

All of Us Research Program, National Institutes of Health
Classification: Uncertain significance for Catecholaminergic polymorphic ventricular tachycardia. Last evaluated: 2023-11-02. Review status: criteria provided, single submitter. Criteria: ACMG Guidelines, 2015. Collection method: clinical testing. Allele origin: germline. Inheritance: Autosomal dominant inheritance. Observed: 2 variant alleles, 2 heterozygotes.
Comment: This missense variant replaces alanine with proline at codon 567 of the RYR2 protein. Computational prediction suggests that this variant may have deleterious impact on protein structure and function (internally defined REVEL score threshold >= 0.7, PMID: 27666373). Splice site prediction tools suggest that this variant may not impact RNA splicing. To our knowledge, functional studies have not been performed for this variant. This variant has not been reported in individuals affected with cardiovascular disorders in the literature. This variant has been identified in 2/243748 chromosomes in the general population by the Genome Aggregation Database (gnomAD). The available evidence is insufficient to determine the role of this variant in disease conclusively. Therefore, this variant is classified as a Variant of Uncertain Significance.

This study involves interpretation of variants in research participants for the purpose of population health screening. Participant phenotype was not available at the time of variant classification. Additional details can be found in publication PMID: 35346344, PMCID: PMC8962531

Color Diagnostics, LLC DBA Color Health
Classification: Uncertain significance for Cardiomyopathy. Last evaluated: 2023-10-13. Review status: criteria provided, single submitter. Criteria: ACMG Guidelines, 2015. Collection method: clinical testing. Allele origin: germline.
Comment: This missense variant replaces alanine with proline at codon 567 of the RYR2 protein. Computational prediction suggests that this variant may have deleterious impact on protein structure and function (internally defined REVEL score threshold >= 0.7, PMID: 27666373). To our knowledge, functional studies have not been reported for this variant. This variant has been reported in one individual affected with dilated cardiomyopathy (PMID: 31568572). This variant has been identified in 2/243748 chromosomes in the general population by the Genome Aggregation Database (gnomAD). The available evidence is insufficient to determine the role of this variant in disease conclusively. Therefore, this variant is classified as a Variant of Uncertain Significance.

GeneDx
Classification: Uncertain significance. Last evaluated: 2023-05-30. Review status: criteria provided, single submitter. Criteria: GeneDx Variant Classification Process June 2021. Collection method: clinical testing. Allele origin: germline. Affected: yes.
Comment: Has not been previously published as pathogenic or benign to our knowledge; Not observed at significant frequency in large population cohorts (gnomAD); In silico analysis supports that this missense variant has a deleterious effect on protein structure/function

CeGaT Center for Human Genetics Tuebingen
Classification: Uncertain significance. Last evaluated: 2022-12-01. Review status: criteria provided, single submitter. Criteria: CeGaT Center For Human Genetics Tuebingen Variant Classification Criteria Version 2. Collection method: clinical testing. Allele origin: germline. Affected: yes. Observed: 1 variant allele.

Clinical Genetics Laboratory, Skane University Hospital Lund
Classification: Uncertain significance. Last evaluated: 2022-05-27. Review status: criteria provided, single submitter. Criteria: ACMG Guidelines, 2015. Collection method: clinical testing. Allele origin: germline. Affected: yes.

Labcorp Genetics (formerly Invitae), Labcorp
Classification: Uncertain significance for Catecholaminergic polymorphic ventricular tachycardia 1. Last evaluated: 2022-03-20. Review status: criteria provided, single submitter. Criteria: Invitae Variant Classification Sherloc (09022015). Collection method: clinical testing. Allele origin: germline.
Comment: In summary, the available evidence is currently insufficient to determine the role of this variant in disease. Therefore, it has been classified as a Variant of Uncertain Significance. Advanced modeling of protein sequence and biophysical properties (such as structural, functional, and spatial information, amino acid conservation, physicochemical variation, residue mobility, and thermodynamic stability) performed at Invitae indicates that this missense variant is expected to disrupt RYR2 protein function. ClinVar contains an entry for this variant (Variation ID: 691812). This missense change has been observed in individual(s) with dilated cardiomyopathy (PMID: 31568572). This variant is present in population databases (rs753758467, gnomAD 0.007%). This sequence change replaces alanine, which is neutral and non-polar, with proline, which is neutral and non-polar, at codon 567 of the RYR2 protein (p.Ala567Pro).

Klaassen Lab, Charite University Medicine Berlin
Classification: Uncertain significance for Primary dilated cardiomyopathy. Last evaluated: 2019-07-03. Review status: criteria provided, single submitter. Criteria: ACMG Guidelines, 2015. Collection method: research. Allele origin: germline. Affected: yes.

Literature cited by the submitters: PubMed 31568572 (cited by 3 submitters); PubMed 31333075 (cited by Klaassen Lab, Charite University Medicine Berlin).